The following is an entry in ClinVar:

NM_000051.4(ATM):c.8312C>T (p.Thr2771Ile)

Genes: ATM (ATM serine/threonine kinase; plus strand), C11orf65 (chromosome 11 open reading frame 65; minus strand). Cytogenetic location: 11q22.3.
Variant type: single nucleotide variant.
Coding change: c.8312C>T on transcript NM_000051.4 (MANE Select); coding-DNA position 8312, C replaced by T.
Protein change: p.Thr2771Ile; replaces threonine 2771 with isoleucine.
Molecular consequence: missense variant. On other transcripts: intron variant (2).
Genome position (GRCh38, 1-based): chr11:108,343,265, C>T. VCF-style: chr11-108343265-C-T. GRCh37 (hg19) VCF-style: chr11-108213992-C-T.
Other names: c.8312C>T, p.Thr2771Ile (NM_001351834.2); c.641-34194G>A (NM_001330368.2); c.695-7973G>A (NM_001351110.2); short protein forms T2771I.
Identifiers: ClinVar variation 495396 (VCV000495396.18), dbSNP rs771781881, ClinGen allele CA382516366.
Genomic context (GRCh38, chr11:108,343,265, plus strand): 5'-TTAATCTGTAACTCCAGGTGGTTCCCCTCTCTCAGCGAAGTGGTGTTCTTGAATGGTGCA[C>T]AGGAACTGTCCCCATTGGTGAATTTCTTGTTAACAATGAAGATGGTGCTCATAAAAGATA-3'
Protein context (NP_000042.3, residues 2761-2781): SQRSGVLEWC[Thr2771Ile]GTVPIGEFLV

ClinVar aggregate classification (germline): Uncertain significance. Review status: criteria provided, multiple submitters, no conflicts (2 of 4 stars). 5 submissions from 5 submitters: Uncertain significance (5). Last evaluated 2025-09-26.

Conditions:
Familial cancer of breast. Also called: BREAST CANCER, FAMILIAL; Hereditary breast cancer; hereditary breast carcinoma. Identifiers: Orphanet 227535, MedGen C0346153, MONDO:0016419, OMIM 114480. Disease mechanism: loss of function.
Ataxia-telangiectasia syndrome (AT). Also called: Cerebello-oculocutaneous telangiectasia; Immunodeficiency with ataxia telangiectasia; Ataxia-telangiectasia, complementation group E; Ataxia-telangiectasia, complementation group D; AT, COMPLEMENTATION GROUP C; ATAXIA-TELANGIECTASIA, COMPLEMENTATION GROUP A. Identifiers: Orphanet 100, MedGen C0004135, MONDO:0008840, OMIM 208900.
Hereditary cancer-predisposing syndrome. Also called: Hereditary Cancer Syndrome; Neoplastic Syndromes, Hereditary; Tumor predisposition; Hereditary neoplastic syndrome. Identifiers: Orphanet 140162, MedGen C0027672, MeSH D009386, MONDO:0015356.

gnomAD v4.1: 4 of 1,613,950 alleles (0.00025%); highest among the groups gnomAD compares: East Asian, 0.0022%; no homozygotes.

Submissions (5):

Ambry Genetics
Classification: Uncertain significance for Hereditary cancer-predisposing syndrome. Last evaluated: 2025-09-26. Review status: criteria provided, single submitter. Criteria: Ambry Variant Classification Scheme 2023. Collection method: clinical testing. Allele origin: germline.
Comment: The p.T2771I variant (also known as c.8312C>T), located in coding exon 56 of the ATM gene, results from a C to T substitution at nucleotide position 8312. The threonine at codon 2771 is replaced by isoleucine, an amino acid with similar properties. This amino acid position is not well conserved in available vertebrate species. In addition, the in silico prediction for this alteration is inconclusive. Based on the available evidence, the clinical significance of this variant remains unclear.

Labcorp Genetics (formerly Invitae), Labcorp
Classification: Uncertain significance for Ataxia-telangiectasia syndrome. Last evaluated: 2025-06-03. Review status: criteria provided, single submitter. Criteria: Invitae Variant Classification Sherloc (09022015). Collection method: clinical testing. Allele origin: germline.
Comment: This sequence change replaces threonine, which is neutral and polar, with isoleucine, which is neutral and non-polar, at codon 2771 of the ATM protein (p.Thr2771Ile). This variant is not present in population databases (gnomAD no frequency). This variant has not been reported in the literature in individuals affected with ATM-related conditions. ClinVar contains an entry for this variant (Variation ID: 495396). Invitae Evidence Modeling of protein sequence and biophysical properties (such as structural, functional, and spatial information, amino acid conservation, physicochemical variation, residue mobility, and thermodynamic stability) indicates that this missense variant is not expected to disrupt ATM protein function with a negative predictive value of 95%. In summary, the available evidence is currently insufficient to determine the role of this variant in disease. Therefore, it has been classified as a Variant of Uncertain Significance.

Color Diagnostics, LLC DBA Color Health
Classification: Uncertain significance for Hereditary cancer-predisposing syndrome. Last evaluated: 2024-03-06. Review status: criteria provided, single submitter. Criteria: ACMG Guidelines, 2015. Collection method: clinical testing. Allele origin: germline.
Comment: This missense variant replaces threonine with isoleucine at codon 2771 of the ATM protein. Computational prediction suggests that this variant may not impact protein structure and function (internally defined REVEL score threshold <= 0.5, PMID: 27666373). To our knowledge, functional studies have not been reported for this variant. This variant has not been reported in individuals affected with hereditary cancer in the literature. This variant has not been identified in the general population by the Genome Aggregation Database (gnomAD). The available evidence is insufficient to determine the role of this variant in disease conclusively. Therefore, this variant is classified as a Variant of Uncertain Significance.

Fulgent Genetics
Classification: Uncertain significance for Familial cancer of breast; Ataxia-telangiectasia syndrome. Last evaluated: 2021-08-12. Review status: criteria provided, single submitter. Criteria: ACMG Guidelines, 2015. Collection method: clinical testing. Allele origin: unknown.

Women's Health and Genetics/Laboratory Corporation of America, LabCorp
Classification: Uncertain significance. Last evaluated: 2016-10-06. Review status: criteria provided, single submitter. Criteria: LabCorp Variant Classification Summary - May 2015. Collection method: clinical testing. Allele origin: germline.
Comment: Variant summary: The ATM c.8312C>T (p.Thr2771Ile) variant located in the Protein kinase-like domain (via InterPro) causes a missense change involving a conserved nucleotide with 4/4 in silico tools (SNPs&GO not captured here due to low reliability index value) predict a damaging outcome, although these predictions have yet to be functionally assessed. The variant of interest was not observed in controls (ExAC, 1000 Gs, or ESP), nor has it been, to our knowledge, reported in affected individuals via publications and/or reputable clinical diagnostic laboratories/databases. Therefore, taking all available lines of evidence into consideration, the variant of interest has been classified as a "Variant of Uncertain Significance (VUS)," until additional information becomes available.